The following is an entry in ClinVar:

ClinVar aggregate classification (germline): Uncertain significance (1 of 4 stars; one submission).

Conditions:
Inborn genetic diseases. Identifiers: MedGen C0950123, MeSH D030342.

Submission:

Ambry Genetics
Classification: Uncertain significance for Inborn genetic diseases. Last evaluated: 2026-06-29. Review status: criteria provided, single submitter. Criteria: Ambry Variant Classification Scheme 2023. Collection method: clinical testing. Allele origin: germline.
Comment: The p.N238D variant (also known as c.712A>G), located in coding exon 5 of the SBDS gene, results from an A to G substitution at nucleotide position 712. The asparagine at codon 238 is replaced by aspartic acid, an amino acid with highly similar properties. This amino acid position is conserved. In addition, this alteration is predicted to be tolerated by in silico analysis. Based on the available evidence, the clinical significance of this variant remains unclear.

NM_016038.4(SBDS):c.712A>G (p.Asn238Asp)

Gene: SBDS (SBDS ribosome maturation factor; minus strand). Cytogenetic location: 7q11.21.
Variant type: single nucleotide variant.
Coding change: c.712A>G on transcript NM_016038.4 (MANE Select); coding-DNA position 712, A replaced by G.
Protein change: p.Asn238Asp; replaces asparagine 238 with aspartic acid.
Molecular consequence: missense variant.
Genome position (GRCh38, 1-based): chr7:66,988,412, T>C on the plus strand (A>G on the coding strand, the complement: SBDS is on the minus strand). VCF-style: chr7-66988412-T-C. GRCh37 (hg19) VCF-style: chr7-66453399-T-C.
Other names: short protein forms N238D.
Identifiers: ClinVar variation 5029016 (VCV005029016.1).